The following is an entry in ClinVar:

ClinVar aggregate classification (germline): Pathogenic (1 of 4 stars; one submission).

Conditions:
Retinal disorder. Also called: Retinopathy; Retinopathies; Retinal Diseases; Retinal disorders. Identifiers: MedGen C0035309, MONDO:0005283, HP:0000488.

Submissions (2):

North West Genomic Laboratory Hub, Manchester University NHS Foundation Trust
Classification: Pathogenic for Retinal disorders. Last evaluated: 2026-07-20. Review status: criteria provided, single submitter. Criteria: ACGS Best Practice Guidelines for Variant Classification in Rare Disease 2024. Collection method: clinical testing. Allele origin: germline. Affected: yes.
Comment: PM2_Mod PVS1_VStr

Dr. Peter K. Rogan Lab, Western University
No classification provided (evidence only). Condition: Thyroid cancer, nonmedullary, 1. Review status: no classification provided. Collection method: in vitro. Allele origin: not applicable. Functional consequence: retained intron. Not counted in ClinVar's aggregate classification.

NM_001256789.3(CACNA1F):c.4954-1G>A

Gene: CACNA1F (calcium voltage-gated channel subunit alpha1 F; minus strand). Cytogenetic location: Xp11.23.
Variant type: single nucleotide variant.
Coding change: c.4954-1G>A on transcript NM_001256789.3 (MANE Select); the canonical splice acceptor site of the intron before coding-DNA position 4954, G replaced by A.
Molecular consequence: splice acceptor variant.
Genome position (GRCh38, 1-based): chrX:49,208,685, C>T on the plus strand (G>A on the coding strand, the complement: CACNA1F is on the minus strand). VCF-style: chrX-49208685-C-T. GRCh37 (hg19) VCF-style: chrX-49065145-C-T.
Other names: NC_000023.10:g.49065145C>T; c.4987-1G>A (NM_005183.4); c.4792-1G>A (NM_001256790.3).
Identifiers: ClinVar variation 4492004 (VCV004492004.2).